The following is an entry in ClinVar:

ClinVar aggregate classification (germline): Uncertain significance (1 of 4 stars; one submission).

gnomAD v4.1: 12 of 1,613,492 alleles (0.00074%); highest among the groups gnomAD compares: Admixed American, 0.0033%; no homozygotes.

Submission:

Labcorp Genetics (formerly Invitae), Labcorp
Classification: Uncertain significance. Last evaluated: 2024-10-26. Review status: criteria provided, single submitter. Criteria: Invitae Variant Classification Sherloc (09022015). Collection method: clinical testing. Allele origin: germline.
Comment: This sequence change replaces serine, which is neutral and polar, with tyrosine, which is neutral and polar, at codon 1216 of the PCDH15 protein (p.Ser1216Tyr). This variant is present in population databases (rs367721759, gnomAD 0.006%). This variant has not been reported in the literature in individuals affected with PCDH15-related conditions. ClinVar contains an entry for this variant (Variation ID: 1407540). Invitae Evidence Modeling of protein sequence and biophysical properties (such as structural, functional, and spatial information, amino acid conservation, physicochemical variation, residue mobility, and thermodynamic stability) indicates that this missense variant is not expected to disrupt PCDH15 protein function with a negative predictive value of 95%. In summary, the available evidence is currently insufficient to determine the role of this variant in disease. Therefore, it has been classified as a Variant of Uncertain Significance.

NM_001384140.1(PCDH15):c.3647C>A (p.Ser1216Tyr)

Gene: PCDH15 (protocadherin related 15; minus strand). Cytogenetic location: 10q21.1.
Variant type: single nucleotide variant.
Coding change: c.3647C>A on transcript NM_001384140.1 (MANE Select); coding-DNA position 3647, C replaced by A.
Protein change: p.Ser1216Tyr; replaces serine 1216 with tyrosine.
Molecular consequence: missense variant.
Genome position (GRCh38, 1-based): chr10:53,866,712, G>T on the plus strand (C>A on the coding strand, the complement: PCDH15 is on the minus strand). VCF-style: chr10-53866712-G-T. GRCh37 (hg19) VCF-style: chr10-55626472-G-T.
Other names: c.3662C>A, p.Ser1221Tyr (NM_001142763.2, NM_001142771.2); c.3647C>A, p.Ser1216Tyr (NM_001142764.2, NM_001142766.2, NM_001142770.3 and 4 more transcripts); c.3434C>A, p.Ser1145Tyr (NM_001142765.2); c.3536C>A, p.Ser1179Tyr (NM_001142767.2); c.3581C>A, p.Ser1194Tyr (NM_001142768.2, NM_001142773.2, NM_001354404.2); c.3683C>A, p.Ser1228Tyr (NM_001142769.4); c.3668C>A, p.Ser1223Tyr (NM_001354411.2); short protein forms S1145Y, S1179Y, S1194Y, S1216Y, S1223Y, S1221Y, S1228Y.
Identifiers: ClinVar variation 1407540 (VCV001407540.6), dbSNP rs367721759, ClinGen allele CA5505603.